The following is an entry in ClinVar:

NM_024422.6(DSC2):c.1034T>C (p.Ile345Thr)

Gene: DSC2 (desmocollin 2; minus strand). Cytogenetic location: 18q12.1.
Variant type: single nucleotide variant.
Coding change: c.1034T>C on transcript NM_024422.6 (MANE Select); coding-DNA position 1034, T replaced by C.
Protein change: p.Ile345Thr; replaces isoleucine 345 with threonine.
Molecular consequence: missense variant.
Genome position (GRCh38, 1-based): chr18:31,082,969, A>G on the plus strand (T>C on the coding strand, the complement: DSC2 is on the minus strand). VCF-style: chr18-31082969-A-G. GRCh37 (hg19) VCF-style: chr18-28662935-A-G.
Other names: c.1034T>C, p.Ile345Thr (NM_004949.5); short protein forms I345T.
Identifiers: ClinVar variation 241471 (VCV000241471.26), dbSNP rs777688726, ClinGen allele CA029302.

ClinVar aggregate classification (germline): Uncertain significance. Review status: criteria provided, multiple submitters, no conflicts (2 of 4 stars). 8 submissions from 8 submitters: Uncertain significance (7). 1 of the submissions does not count toward it. Last evaluated 2025-07-11.

Conditions:
Cardiovascular phenotype. Identifiers: MedGen CN230736.
Cardiomyopathy (CMYO). Also called: Cardiomyopathies. Identifiers: Orphanet 167848, MedGen C0878544, MONDO:0004994, HP:0001638. Inheritance: Various modes of inheritance.
Arrhythmogenic right ventricular dysplasia 11. Also called: Arrhythmogenic Right Ventricular Dysplasia/Cardiomyopathy11; ARRHYTHMOGENIC RIGHT VENTRICULAR DYSPLASIA, FAMILIAL, 11; Arrhythmogenic right ventricular dysplasia 11 with mild palmoplantar keratoderma and woolly hair. Identifiers: MedGen C1864850, MONDO:0012506, OMIM 610476.
Familial isolated arrhythmogenic right ventricular dysplasia. Identifiers: Orphanet 217656, MedGen C4274968, MONDO:0016342.
Arrhythmogenic right ventricular cardiomyopathy (ARVD). Also called: Arrhythmogenic cardiomyopathy; Arrhythmogenic Right Ventricular Cardiomyopathy (ARVC); Cardiomyopathy, ARVC; Arrhythmogenic right ventricular dysplasia. Identifiers: Orphanet 247, MedGen C0349788, MeSH D019571, MONDO:0016587. Disease mechanism: loss of function. Inheritance: Various modes of inheritance.

Allele frequency attached by ClinVar (database versions not stated): ExAC 0.00001; gnomAD exomes 0.00001; gnomAD 0.00003 and 0.00004; TOPMed 0.00003.
gnomAD v4.1: 16 of 1,613,540 alleles (0.00099%); highest among the groups gnomAD compares: South Asian, 0.0022%; no homozygotes.

Submissions (8):

Ambry Genetics
Classification: Uncertain significance for Cardiovascular phenotype. Last evaluated: 2025-07-11. Review status: criteria provided, single submitter. Criteria: Ambry Variant Classification Scheme 2023. Collection method: clinical testing. Allele origin: germline.
Comment: The p.I345T variant (also known as c.1034T>C), located in coding exon 8 of the DSC2 gene, results from a T to C substitution at nucleotide position 1034. The isoleucine at codon 345 is replaced by threonine, an amino acid with similar properties. This alteration has been detected in arrhythmogenic right ventricular cardiomyopathy (ARVC) and pediatric cardiomyopathy cohorts (Beffagna G et al. BMC Med. Genet. 2007;8:65; K&uuml;hnisch J et al. Clin. Genet., 2019 Dec;96:549-559). In vitro studies have suggested that this variant alters the localization of the DSC2 protein; however, the clinical significance of this mislocalization is uncertain (Beffagna G et al. BMC Med. Genet. 2007;8:65). This amino acid position is not well conserved in available vertebrate species. In addition, this alteration is predicted to be deleterious by in silico analysis. Since supporting evidence is limited at this time, the clinical significance of this alteration remains unclear.

Labcorp Genetics (formerly Invitae), Labcorp
Classification: Uncertain significance for Arrhythmogenic right ventricular dysplasia 11. Last evaluated: 2024-11-04. Review status: criteria provided, single submitter. Criteria: Invitae Variant Classification Sherloc (09022015). Collection method: clinical testing. Allele origin: germline.
Comment: This sequence change replaces isoleucine, which is neutral and non-polar, with threonine, which is neutral and polar, at codon 345 of the DSC2 protein (p.Ile345Thr). This variant is present in population databases (rs777688726, gnomAD 0.003%). This missense change has been observed in individual(s) with arrhythmogenic cardiomyopathy (PMID: 17963498, 28471438, 34400560, 35819174). ClinVar contains an entry for this variant (Variation ID: 241471). Invitae Evidence Modeling of protein sequence and biophysical properties (such as structural, functional, and spatial information, amino acid conservation, physicochemical variation, residue mobility, and thermodynamic stability) indicates that this missense variant is not expected to disrupt DSC2 protein function with a negative predictive value of 80%. Experimental studies have shown that this missense change affects DSC2 function (PMID: 17963498). In summary, the available evidence is currently insufficient to determine the role of this variant in disease. Therefore, it has been classified as a Variant of Uncertain Significance.

All of Us Research Program, National Institutes of Health
Classification: Uncertain significance for Familial isolated arrhythmogenic right ventricular dysplasia. Last evaluated: 2024-08-23. Review status: criteria provided, single submitter. Criteria: ACMG Guidelines, 2015. Collection method: clinical testing. Allele origin: germline. Inheritance: Autosomal dominant inheritance. Observed: 14 variant alleles, 14 heterozygotes.
Comment: This missense variant replaces isoleucine with threonine at codon 345 of the DSC2 protein. Computational prediction is inconclusive regarding the impact of this variant on protein structure and function (internally defined REVEL score threshold 0.5 < inconclusive < 0.7, PMID: 27666373). A functional study has shown that this variant affects the intracellular localization of the DSC2 protein (PMID: 17963498). This variant has been reported in two unrelated individuals affected with arrhythmogenic right ventricular cardiomyopathy (PMID: 17963498, 31568572). One of these individuals also carried a truncation variant in the DSG2 gene (PMID: 31568572). This variant has been identified in 2/251066 chromosomes in the general population by the Genome Aggregation Database (gnomAD). The available evidence is insufficient to determine the role of this variant in disease conclusively. Therefore, this variant is classified as a Variant of Uncertain Significance.

This study involves interpretation of variants in research participants for the purpose of population health screening. Participant phenotype was not available at the time of variant classification. Additional details can be found in publication PMID: 35346344, PMCID: PMC8962531

Color Diagnostics, LLC DBA Color Health
Classification: Uncertain significance for Cardiomyopathy. Last evaluated: 2024-08-13. Review status: criteria provided, single submitter. Criteria: ACMG Guidelines, 2015. Collection method: clinical testing. Allele origin: germline.
Comment: This missense variant replaces isoleucine with threonine at codon 345 of the DSC2 protein. Computational prediction is inconclusive regarding the impact of this variant on protein structure and function. A functional study has shown that this variant affects the intracellular localization of the DSC2 protein (PMID: 17963498). This variant has been reported in two unrelated individuals affected with arrhythmogenic right ventricular cardiomyopathy (PMID: 17963498, 31568572). One of these individuals also carried a truncation variant in the DSG2 gene (PMID: 31568572). This variant has been identified in 2/251066 chromosomes in the general population by the Genome Aggregation Database (gnomAD). The available evidence is insufficient to determine the role of this variant in disease conclusively. Therefore, this variant is classified as a Variant of Uncertain Significance.

Clinical Genetics Laboratory, Skane University Hospital Lund
Classification: Uncertain significance. Last evaluated: 2024-03-07. Review status: criteria provided, single submitter. Criteria: ACMG Guidelines, 2015. Collection method: clinical testing. Allele origin: germline. Affected: yes.

Women's Health and Genetics/Laboratory Corporation of America, LabCorp
Classification: Uncertain significance. Last evaluated: 2024-01-19. Review status: criteria provided, single submitter. Criteria: LabCorp Variant Classification Summary - May 2015. Collection method: clinical testing. Allele origin: germline.
Comment: Variant summary: DSC2 c.1034T>C (p.Ile345Thr) results in a non-conservative amino acid change located in the Cadherin-like domain (IPR002126) of the encoded protein sequence. Five of five in-silico tools predict a damaging effect of the variant on protein function. The variant allele was found at a frequency of 8e-06 in 251066 control chromosomes. The available data on variant occurrences in the general population are insufficient to allow any conclusion about variant significance. c.1034T>C has been reported in the literature in individuals affected with Arrhythmogenic cardiomyopathy (e.g. Goudal_2022), individuals affected or unaffected with Arrhythmogenic Right Ventricular Cardiomyopathy (e.g. Beffagna_2007, Christensen_ 2021), or pediatric cardiomyopathy with an additional reported DSG2 variant (e.g. Kuhnisch_2019), in all cases without evidence of causality. These report(s) do not provide unequivocal conclusions about association of the variant with Cardiomyopathy. One publication reports experimental evidence evaluating an impact on protein function, showing the variant results in abberrant cytoplasmic localization away from cell membrane in cultured cardiomyocytes (e.g. Beffagna_2007), however, effect in disease remains unknown. The following publications have been ascertained in the context of this evaluation (PMID: 17963498, 34400560, 35819174, 28471438, 31568572). ClinVar contains an entry for this variant (Variation ID: 241471). Based on the evidence outlined above, the variant was classified as uncertain significance.

GeneDx
Classification: Uncertain significance. Last evaluated: 2022-09-07. Review status: criteria provided, single submitter. Criteria: GeneDx Variant Classification Process June 2021. Collection method: clinical testing. Allele origin: germline. Affected: yes.
Comment: Reported in a pediatric patient with ARVC who also harbored a truncating variant in the DSG2 gene (Kuhnisch et al., 2019), although no informative segregation data are available; Also observed in 16 individuals from a cohort of 30,716 individuals who underwent exome sequencing, and none of these individuals had a diagnosis of ARVC based on review of existing electronic health records (Haggerty et al., 2017); Expression studies in neonatal rat cardiomyocytes and cultured mouse cardiac muscle cells (HL-1 cells) suggest that I345T may impact proper cellular localization of desmocollin-2 protein (Beffagna et al., 2007); however, the clinical validity of these studies remains to be determined; Not observed at significant frequency in large population cohorts (gnomAD); In silico analysis supports that this missense variant has a deleterious effect on protein structure/function; This variant is associated with the following publications: (PMID: 17963498, 20197793, 24070718, 26310507, 26138720, 28471438, 31333075, 31568572, 31402444, 32466575)

Klaassen Lab, Charite University Medicine Berlin
Classification: Likely pathogenic for Arrhythmogenic right ventricular cardiomyopathy. Last evaluated: 2019-07-03. Review status: flagged submission. Criteria: ACMG Guidelines, 2015. Collection method: research. Allele origin: germline. Affected: yes. Not counted in ClinVar's aggregate classification.
ClinVar note: Reason: Outlier claim with insufficient supporting evidence

Literature cited by the submitters: PubMed 17963498 (cited by 5 submitters); PubMed 20197793 (cited by Ambry Genetics); PubMed 24070718 (cited by Ambry Genetics); PubMed 26138720 (cited by Ambry Genetics); PubMed 31568572 (cited by 5 submitters); PubMed 28471438 (cited by Labcorp Genetics (formerly Invitae), Labcorp and Women's Health and Genetics/Laboratory Corporation of America, LabCorp); PubMed 34400560 (cited by Labcorp Genetics (formerly Invitae), Labcorp and Women's Health and Genetics/Laboratory Corporation of America, LabCorp); PubMed 35819174 (cited by Labcorp Genetics (formerly Invitae), Labcorp and Women's Health and Genetics/Laboratory Corporation of America, LabCorp); PubMed 31333075 (cited by Klaassen Lab, Charite University Medicine Berlin).